The following is an entry in ClinVar:

NM_030962.4(SBF2):c.1189G>T (p.Gly397Cys)

Gene: SBF2 (SET binding factor 2; minus strand). Cytogenetic location: 11p15.4.
Variant type: single nucleotide variant.
Coding change: c.1189G>T on transcript NM_030962.4 (MANE Select); coding-DNA position 1189, G replaced by T.
Protein change: p.Gly397Cys; replaces glycine 397 with cysteine.
Molecular consequence: missense variant. On other transcripts: intron variant (1).
Genome position (GRCh38, 1-based): chr11:9,992,522, C>A on the plus strand (G>T on the coding strand, the complement: SBF2 is on the minus strand). VCF-style: chr11-9992522-C-A. GRCh37 (hg19) VCF-style: chr11-10014069-C-A.
Other names: c.1189G>T, p.Gly397Cys (NM_001386339.1); c.1167+468G>T (NM_001386342.1); short protein forms G397C.
Identifiers: ClinVar variation 1062248 (VCV001062248.11), dbSNP rs2134469917, ClinGen allele CA379636965.

ClinVar aggregate classification (germline): Uncertain significance. Review status: criteria provided, multiple submitters, no conflicts (2 of 4 stars). 2 submissions from 2 submitters: Uncertain significance (2). Last evaluated 2020-05-04.

Conditions:
Inborn genetic diseases. Identifiers: MedGen C0950123, MeSH D030342.
Charcot-Marie-Tooth disease type 4. Also called: Charcot-Marie-Tooth disease, type IV; Charcot-Marie-Tooth, Type 4. Identifiers: Orphanet 64749, MedGen C4082197, MONDO:0018995.

Submissions (2):

Labcorp Genetics (formerly Invitae), Labcorp
Classification: Uncertain significance for Charcot-Marie-Tooth disease type 4. Last evaluated: 2020-05-04. Review status: criteria provided, single submitter. Criteria: Invitae Variant Classification Sherloc (09022015). Collection method: clinical testing. Allele origin: germline.
Comment: In summary, the available evidence is currently insufficient to determine the role of this variant in disease. Therefore, it has been classified as a Variant of Uncertain Significance. Algorithms developed to predict the effect of missense changes on protein structure and function are either unavailable or do not agree on the potential impact of this missense change (SIFT: "Deleterious"; PolyPhen-2: "Possibly Damaging"; Align-GVGD: "Class C0"). This variant has not been reported in the literature in individuals with SBF2-related conditions. This variant is not present in population databases (ExAC no frequency). This sequence change replaces glycine with cysteine at codon 397 of the SBF2 protein (p.Gly397Cys). The glycine residue is moderately conserved and there is a large physicochemical difference between glycine and cysteine.

Ambry Genetics
Classification: Uncertain significance for Inborn genetic diseases. Last evaluated: 2019-12-10. Review status: criteria provided, single submitter. Criteria: Ambry Variant Classification Scheme 2023. Collection method: clinical testing. Allele origin: germline.
Comment: The p.G397C variant (also known as c.1189G>T), located in coding exon 12 of the SBF2 gene, results from a G to T substitution at nucleotide position 1189. The glycine at codon 397 is replaced by cysteine, an amino acid with highly dissimilar properties. This amino acid position is highly conserved in available vertebrate species. In addition, the in silico prediction for this alteration is inconclusive. Since supporting evidence is limited at this time, the clinical significance of this alteration remains unclear.